The following is an entry in ClinVar:

ClinVar aggregate classification (germline): Uncertain significance (1 of 4 stars; one submission).

gnomAD v4.1: 5 of 1,611,830 alleles (0.00031%); highest among the groups gnomAD compares: Non-Finnish European, 0.00042%; no homozygotes.

Submission:

Labcorp Genetics (formerly Invitae), Labcorp
Classification: Uncertain significance. Last evaluated: 2025-07-09. Review status: criteria provided, single submitter. Criteria: Invitae Variant Classification Sherloc (09022015). Collection method: clinical testing. Allele origin: germline.
Comment: This sequence change replaces proline, which is neutral and non-polar, with threonine, which is neutral and polar, at codon 938 of the POLR3A protein (p.Pro938Thr). This variant is not present in population databases (gnomAD no frequency). This variant has not been reported in the literature in individuals affected with POLR3A-related conditions. Invitae Evidence Modeling of protein sequence and biophysical properties (such as structural, functional, and spatial information, amino acid conservation, physicochemical variation, residue mobility, and thermodynamic stability) indicates that this missense variant is not expected to disrupt POLR3A protein function with a negative predictive value of 80%. In summary, the available evidence is currently insufficient to determine the role of this variant in disease. Therefore, it has been classified as a Variant of Uncertain Significance.

NM_007055.4(POLR3A):c.2812C>A (p.Pro938Thr)

Gene: POLR3A (RNA polymerase III subunit A; minus strand). Cytogenetic location: 10q22.3.
Variant type: single nucleotide variant.
Coding change: c.2812C>A on transcript NM_007055.4 (MANE Select); coding-DNA position 2812, C replaced by A.
Protein change: p.Pro938Thr; replaces proline 938 with threonine.
Molecular consequence: missense variant.
Genome position (GRCh38, 1-based): chr10:77,991,143, G>T on the plus strand (C>A on the coding strand, the complement: POLR3A is on the minus strand). VCF-style: chr10-77991143-G-T. GRCh37 (hg19) VCF-style: chr10-79750901-G-T.
Other names: short protein forms P938T.
Identifiers: ClinVar variation 4801387 (VCV004801387.1).